The following is an entry in ClinVar:

NM_005228.5(EGFR):c.334T>C (p.Tyr112His)

Gene: EGFR (epidermal growth factor receptor; plus strand). Cytogenetic location: 7p11.2.
Variant type: single nucleotide variant.
Coding change: c.334T>C on transcript NM_005228.5 (MANE Select); coding-DNA position 334, T replaced by C.
Protein change: p.Tyr112His; replaces tyrosine 112 with histidine.
Molecular consequence: missense variant. On other transcripts: intron variant (1).
Genome position (GRCh38, 1-based): chr7:55,143,398, T>C. VCF-style: chr7-55143398-T-C. GRCh37 (hg19) VCF-style: chr7-55211091-T-C.
Other names: c.334T>C (NM_005228.3); c.334T>C, p.Tyr112His (NM_001346897.2, NM_001346898.2, NM_001346899.2 and 3 more transcripts); c.175T>C, p.Tyr59His (NM_001346900.2); c.89-12432T>C (NM_001346941.2); short protein forms Y112H, Y59H.
Identifiers: ClinVar variation 1348364 (VCV001348364.7), dbSNP rs2128927369, ClinGen allele CA367575813.

ClinVar aggregate classification (germline): Uncertain significance. Review status: criteria provided, multiple submitters, no conflicts (2 of 4 stars). 2 submissions from 2 submitters: Uncertain significance (2). Last evaluated 2025-05-09.

Conditions:
Hereditary cancer-predisposing syndrome. Also called: Hereditary neoplastic syndrome; Tumor predisposition; Neoplastic Syndromes, Hereditary; Hereditary Cancer Syndrome. Identifiers: Orphanet 140162, MedGen C0027672, MeSH D009386, MONDO:0015356.
EGFR-related lung cancer (EGFR). Identifiers: MedGen CN130014.

Allele frequency attached by ClinVar (database versions not stated): gnomAD exomes below 0.00001.
gnomAD v4.1: 1 of 1,614,220 alleles (0.000062%); highest among the groups gnomAD compares: Middle Eastern, 0.016%; no homozygotes.

Submissions (2):

Ambry Genetics
Classification: Uncertain significance for Hereditary cancer-predisposing syndrome. Last evaluated: 2025-05-09. Review status: criteria provided, single submitter. Criteria: Ambry Variant Classification Scheme 2023. Collection method: clinical testing. Allele origin: germline.
Comment: The p.Y112H variant (also known as c.334T>C), located in coding exon 3 of the EGFR gene, results from a T to C substitution at nucleotide position 334. The tyrosine at codon 112 is replaced by histidine, an amino acid with similar properties. This amino acid position is conserved. In addition, this alteration is predicted to be tolerated by in silico analysis. Based on the available evidence, the clinical significance of this variant remains unclear.

Labcorp Genetics (formerly Invitae), Labcorp
Classification: Uncertain significance for EGFR-related lung cancer. Last evaluated: 2024-08-27. Review status: criteria provided, single submitter. Criteria: Invitae Variant Classification Sherloc (09022015). Collection method: clinical testing. Allele origin: germline.
Comment: This sequence change replaces tyrosine, which is neutral and polar, with histidine, which is basic and polar, at codon 112 of the EGFR protein (p.Tyr112His). This variant is not present in population databases (gnomAD no frequency). This variant has not been reported in the literature in individuals affected with EGFR-related conditions. ClinVar contains an entry for this variant (Variation ID: 1348364). Invitae Evidence Modeling of protein sequence and biophysical properties (such as structural, functional, and spatial information, amino acid conservation, physicochemical variation, residue mobility, and thermodynamic stability) has been performed for this missense variant. However, the output from this modeling did not meet the statistical confidence thresholds required to predict the impact of this variant on EGFR protein function. In summary, the available evidence is currently insufficient to determine the role of this variant in disease. Therefore, it has been classified as a Variant of Uncertain Significance.